The following is an entry in ClinVar:

ClinVar aggregate classification (germline): Uncertain significance (1 of 4 stars; one submission).

Conditions:
Dilated cardiomyopathy 1W (CMD1W). Identifiers: Orphanet 154, MedGen C1969639, MONDO:0012667, OMIM 611407.

Allele frequency attached by ClinVar (database versions not stated): gnomAD exomes below 0.00001.
gnomAD v4.1: 2 of 1,614,148 alleles (0.00012%); highest among the groups gnomAD compares: Non-Finnish European, 0.00017%; no homozygotes.

Submission:

Labcorp Genetics (formerly Invitae), Labcorp
Classification: Uncertain significance for Dilated cardiomyopathy 1W. Last evaluated: 2024-03-04. Review status: criteria provided, single submitter. Criteria: Invitae Variant Classification Sherloc (09022015). Collection method: clinical testing. Allele origin: germline.
Comment: This sequence change replaces glutamic acid, which is acidic and polar, with glutamine, which is neutral and polar, at codon 693 of the VCL protein (p.Glu693Gln). This variant is not present in population databases (gnomAD no frequency). This variant has not been reported in the literature in individuals affected with VCL-related conditions. ClinVar contains an entry for this variant (Variation ID: 2046307). An algorithm developed to predict the effect of missense changes on protein structure and function (PolyPhen-2) suggests that this variant is likely to be disruptive. In summary, the available evidence is currently insufficient to determine the role of this variant in disease. Therefore, it has been classified as a Variant of Uncertain Significance.

NM_014000.3(VCL):c.2077G>C (p.Glu693Gln)

Gene: VCL (vinculin; plus strand). Cytogenetic location: 10q22.2.
Variant type: single nucleotide variant.
Coding change: c.2077G>C on transcript NM_014000.3 (MANE Select); coding-DNA position 2077, G replaced by C.
Protein change: p.Glu693Gln; replaces glutamic acid 693 with glutamine.
Molecular consequence: missense variant.
Genome position (GRCh38, 1-based): chr10:74,103,874, G>C. VCF-style: chr10-74103874-G-C. GRCh37 (hg19) VCF-style: chr10-75863632-G-C.
Other names: c.2077G>C, p.Glu693Gln (NM_003373.4); short protein forms E693Q.
Identifiers: ClinVar variation 2046307 (VCV002046307.4), dbSNP rs2549231552, ClinGen allele CA377261251.